The following is an entry in ClinVar:

ClinVar aggregate classification (germline): Uncertain significance. Review status: criteria provided, multiple submitters, no conflicts (2 of 4 stars). 2 submissions from 2 submitters: Uncertain significance (2). Last evaluated 2024-11-28.

Allele frequency attached by ClinVar (database versions not stated): gnomAD exomes 0.00001; ExAC 0.00003; gnomAD 0.00013; 1000 Genomes Project 30x 0.00016; 1000 Genomes Project 0.00020; TOPMed 0.00021.
gnomAD v4.1: 29 of 1,566,026 alleles (0.0019%); highest among the groups gnomAD compares: African/African-American, 0.032%; no homozygotes.

Submissions (2):

Ambry Genetics
Classification: Uncertain significance. Last evaluated: 2024-11-28. Review status: criteria provided, single submitter. Criteria: Ambry Variant Classification Scheme 2023. Collection method: clinical testing. Allele origin: germline.
Comment: The p.P43T variant (also known as c.127C>A), located in coding exon 1 of the ATRIP gene, results from a C to A substitution at nucleotide position 127. The proline at codon 43 is replaced by threonine, an amino acid with highly similar properties. This amino acid position is conserved. In addition, this alteration is predicted to be tolerated by in silico analysis. Based on the available evidence, the clinical significance of this variant remains unclear.

Labcorp Genetics (formerly Invitae), Labcorp
Classification: Uncertain significance. Last evaluated: 2022-10-07. Review status: criteria provided, single submitter. Criteria: Invitae Variant Classification Sherloc (09022015). Collection method: clinical testing. Allele origin: germline.
Comment: This sequence change replaces proline, which is neutral and non-polar, with threonine, which is neutral and polar, at codon 43 of the ATRIP protein (p.Pro43Thr). This variant is present in population databases (rs547105412, gnomAD 0.03%). This variant has not been reported in the literature in individuals affected with ATRIP-related conditions. In summary, the available evidence is currently insufficient to determine the role of this variant in disease. Therefore, it has been classified as a Variant of Uncertain Significance. Algorithms developed to predict the effect of missense changes on protein structure and function (SIFT, PolyPhen-2, Align-GVGD) all suggest that this variant is likely to be tolerated.

NM_130384.3(ATRIP):c.127C>A (p.Pro43Thr)

Genes: ATRIP (ATR interacting protein; plus strand), ATRIP-TREX1 (ATRIP-TREX1 readthrough; plus strand), LOC129936703 (ATAC-STARR-seq lymphoblastoid silent region 14331; plus strand). Cytogenetic location: 3p21.31.
Variant type: single nucleotide variant.
Coding change: c.127C>A on transcript NM_130384.3 (MANE Select); coding-DNA position 127, C replaced by A.
Protein change: p.Pro43Thr; replaces proline 43 with threonine.
Molecular consequence: missense variant. On other transcripts: non-coding transcript variant (1), intron variant (1).
Genome position (GRCh38, 1-based): chr3:48,446,972, C>A. VCF-style: chr3-48446972-C-A. GRCh37 (hg19) VCF-style: chr3-48488376-C-A.
Other names: c.127C>A (NM_130384.1); c.127C>A, p.Pro43Thr (NM_032166.4); c.-218+173C>A (NM_001271022.2); short protein forms P43T.
Identifiers: ClinVar variation 2183466 (VCV002183466.6), dbSNP rs547105412, ClinGen allele CA2375884.